The following is an entry in ClinVar:

NM_005263.5(GFI1):c.868G>T (p.Gly290Cys)

Gene: GFI1 (growth factor independent 1 transcriptional repressor; minus strand). Cytogenetic location: 1p22.1.
Variant type: single nucleotide variant.
Coding change: c.868G>T on transcript NM_005263.5 (MANE Select); coding-DNA position 868, G replaced by T.
Protein change: p.Gly290Cys; replaces glycine 290 with cysteine.
Molecular consequence: missense variant.
Genome position (GRCh38, 1-based): chr1:92,480,404, C>A on the plus strand (G>T on the coding strand, the complement: GFI1 is on the minus strand). VCF-style: chr1-92480404-C-A. GRCh37 (hg19) VCF-style: chr1-92945961-C-A.
Other names: c.868G>T, p.Gly290Cys (NM_001127215.3, NM_001127216.3); short protein forms G290C.
Identifiers: ClinVar variation 4263207 (VCV004263207.1).

ClinVar aggregate classification (germline): Uncertain significance (1 of 4 stars; one submission).

Submission:

Ambry Genetics
Classification: Uncertain significance. Last evaluated: 2025-07-18. Review status: criteria provided, single submitter. Criteria: Ambry Variant Classification Scheme 2023. Collection method: clinical testing. Allele origin: germline.
Comment: The p.G290C variant (also known as c.868G>T), located in coding exon 4 of the GFI1 gene, results from a G to T substitution at nucleotide position 868. The glycine at codon 290 is replaced by cysteine, an amino acid with highly dissimilar properties. This amino acid position is conserved. In addition, the in silico prediction for this alteration is inconclusive. Based on the available evidence, the clinical significance of this variant remains unclear.